The following is an entry in ClinVar:

ClinVar aggregate classification (germline): Conflicting classifications of pathogenicity. Review status: criteria provided, conflicting classifications (1 of 4 stars). 2 submissions from 2 submitters: Uncertain significance (1); Likely benign (1). Last evaluated 2025-11-12.

Conditions:
Inborn genetic diseases. Identifiers: MedGen C0950123, MeSH D030342.

Allele frequency attached by ClinVar (database versions not stated): gnomAD exomes 0.00001; ExAC 0.00004; TOPMed below 0.00001; gnomAD 0.00002.
gnomAD v4.1: 16 of 1,569,376 alleles (0.001%); highest among the groups gnomAD compares: Admixed American, 0.022%; no homozygotes.

Submissions (2):

Ambry Genetics
Classification: Likely benign for Inborn genetic diseases. Last evaluated: 2025-11-12. Review status: criteria provided, single submitter. Criteria: Ambry Variant Classification Scheme 2023. Collection method: clinical testing. Allele origin: germline.

Labcorp Genetics (formerly Invitae), Labcorp
Classification: Uncertain significance. Last evaluated: 2021-12-09. Review status: criteria provided, single submitter. Criteria: Invitae Variant Classification Sherloc (09022015). Collection method: clinical testing. Allele origin: germline.
Comment: This sequence change replaces serine, which is neutral and polar, with glycine, which is neutral and non-polar, at codon 1194 of the INPPL1 protein (p.Ser1194Gly). This variant is present in population databases (rs752131830, gnomAD 0.01%). This variant has not been reported in the literature in individuals affected with INPPL1-related conditions. ClinVar contains an entry for this variant (Variation ID: 1011461). Algorithms developed to predict the effect of missense changes on protein structure and function output the following: SIFT: "Tolerated"; PolyPhen-2: "Benign"; Align-GVGD: "Class C0". The glycine amino acid residue is found in multiple mammalian species, which suggests that this missense change does not adversely affect protein function. In summary, the available evidence is currently insufficient to determine the role of this variant in disease. Therefore, it has been classified as a Variant of Uncertain Significance.

NM_001567.4(INPPL1):c.3580A>G (p.Ser1194Gly)

Gene: INPPL1 (inositol polyphosphate phosphatase like 1; plus strand). Cytogenetic location: 11q13.4.
Variant type: single nucleotide variant.
Coding change: c.3580A>G on transcript NM_001567.4 (MANE Select); coding-DNA position 3580, A replaced by G.
Protein change: p.Ser1194Gly; replaces serine 1194 with glycine.
Molecular consequence: missense variant.
Genome position (GRCh38, 1-based): chr11:72,238,069, A>G. VCF-style: chr11-72238069-A-G. GRCh37 (hg19) VCF-style: chr11-71949113-A-G.
Other names: c.3580A>G (NM_001567.3); short protein forms S1194G.
Identifiers: ClinVar variation 1011461 (VCV001011461.5), dbSNP rs752131830, ClinGen allele CA6170702.
Genomic context (GRCh38, chr11:72,238,069, plus strand): 5'-CTCAGCTCCCCCTGACATGCCCTGTTTCCTTAGGCTCCGTGCCTGCAGGGCGGGCGGGCC[A>G]GCGGGCTGGGCGAGGCAGGCATGAGTGCCTGGCTGCGGGCCATCGGCTTGGAGCGCTATG-3'
Protein context (NP_001558.3, residues 1184-1204): EAPCLQGGRA[Ser1194Gly]GLGEAGMSAW